The following is an entry in ClinVar:

NM_001127453.2(GSDME):c.539G>C (p.Cys180Ser)

Gene: GSDME (gasdermin E; minus strand). Cytogenetic location: 7p15.3.
Variant type: single nucleotide variant.
Coding change: c.539G>C on transcript NM_001127453.2 (MANE Select); coding-DNA position 539, G replaced by C.
Protein change: p.Cys180Ser; replaces cysteine 180 with serine.
Molecular consequence: missense variant.
Genome position (GRCh38, 1-based): chr7:24,719,084, C>G on the plus strand (G>C on the coding strand, the complement: GSDME is on the minus strand). VCF-style: chr7-24719084-C-G. GRCh37 (hg19) VCF-style: chr7-24758703-C-G.
Other names: c.47G>C, p.Cys16Ser (NM_001127454.2); c.539G>C, p.Cys180Ser (NM_004403.3); short protein forms C16S, C180S.
Identifiers: ClinVar variation 1680842 (VCV001680842.8), dbSNP rs1168600257, ClinGen allele CA367048202.

ClinVar aggregate classification (germline): Uncertain significance (1 of 4 stars; one submission).

Allele frequency attached by ClinVar (database versions not stated): gnomAD 0.00001.
gnomAD v4.1: 2 of 1,613,366 alleles (0.00012%); highest among the groups gnomAD compares: African/African-American, 0.0027%; no homozygotes.

Submission:

Labcorp Genetics (formerly Invitae), Labcorp
Classification: Uncertain significance. Last evaluated: 2021-08-07. Review status: criteria provided, single submitter. Criteria: Invitae Variant Classification Sherloc (09022015). Collection method: clinical testing. Allele origin: germline.
Comment: This sequence change replaces cysteine with serine at codon 180 of the DFNA5 protein (p.Cys180Ser). The cysteine residue is highly conserved and there is a moderate physicochemical difference between cysteine and serine. This variant is not present in population databases (ExAC no frequency). This variant has not been reported in the literature in individuals affected with DFNA5-related conditions. Algorithms developed to predict the effect of missense changes on protein structure and function are either unavailable or do not agree on the potential impact of this missense change (SIFT: "Deleterious"; PolyPhen-2: "Benign"; Align-GVGD: "Class C0"). In summary, the available evidence is currently insufficient to determine the role of this variant in disease. Therefore, it has been classified as a Variant of Uncertain Significance.